The following is an entry in ClinVar:

NM_145861.4(EDARADD):c.22C>G (p.Gln8Glu)

Gene: EDARADD (EDAR associated via death domain; plus strand). Cytogenetic location: 1q42.3.
Variant type: single nucleotide variant.
Coding change: c.22C>G on transcript NM_145861.4 (MANE Select); coding-DNA position 22, C replaced by G.
Protein change: p.Gln8Glu; replaces glutamine 8 with glutamic acid.
Molecular consequence: missense variant.
Genome position (GRCh38, 1-based): chr1:236,394,466, C>G. VCF-style: chr1-236394466-C-G. GRCh37 (hg19) VCF-style: chr1-236557766-C-G.
Other names: c.22C>G (NM_145861.2); short protein forms Q8E.
Identifiers: ClinVar variation 1967978 (VCV001967978.6), dbSNP rs144687140, ClinGen allele CA1469905.

ClinVar aggregate classification (germline): Uncertain significance. Review status: criteria provided, multiple submitters, no conflicts (2 of 4 stars). 2 submissions from 2 submitters: Uncertain significance (2). Last evaluated 2025-08-12.

Conditions:
Inborn genetic diseases. Identifiers: MedGen C0950123, MeSH D030342.
Ectodermal dysplasia 11A, hypohidrotic/hair/tooth type, autosomal dominant. Identifiers: Orphanet 1810, Orphanet 238468, MedGen C3541517, MONDO:0013982, OMIM 614940.
Ectodermal dysplasia 11B, hypohidrotic/hair/tooth type, autosomal recessive. Identifiers: Orphanet 238468, Orphanet 248, MedGen C3539920, MONDO:0013983, OMIM 614941.

Allele frequency attached by ClinVar (database versions not stated): 1000 Genomes Project 30x 0.00094; gnomAD exomes 0.00003; ExAC 0.00009; gnomAD 0.00040; TOPMed 0.00048; ESP Exome Variant Server 0.00054; 1000 Genomes Project 0.00120.
gnomAD v4.1: 107 of 1,614,130 alleles (0.0066%); highest among the groups gnomAD compares: African/African-American, 0.11%; no homozygotes.

Submissions (2):

Ambry Genetics
Classification: Uncertain significance for Inborn genetic diseases. Last evaluated: 2025-08-12. Review status: criteria provided, single submitter. Criteria: Ambry Variant Classification Scheme 2023. Collection method: clinical testing. Allele origin: germline.

Labcorp Genetics (formerly Invitae), Labcorp
Classification: Uncertain significance for Ectodermal dysplasia 11B, hypohidrotic/hair/tooth type, autosomal recessive; Ectodermal dysplasia 11A, hypohidrotic/hair/tooth type, autosomal dominant. Last evaluated: 2025-05-13. Review status: criteria provided, single submitter. Criteria: Invitae Variant Classification Sherloc (09022015). Collection method: clinical testing. Allele origin: germline.
Comment: This sequence change replaces glutamine, which is neutral and polar, with glutamic acid, which is acidic and polar, at codon 8 of the EDARADD protein (p.Gln8Glu). This variant is present in population databases (rs144687140, gnomAD 0.1%). This variant has not been reported in the literature in individuals affected with EDARADD-related conditions. ClinVar contains an entry for this variant (Variation ID: 1967978). An algorithm developed to predict the effect of missense changes on protein structure and function outputs the following: PolyPhen-2: "Possibly Damaging". The glutamic acid amino acid residue is found in multiple mammalian species, which suggests that this missense change does not adversely affect protein function. In summary, the available evidence is currently insufficient to determine the role of this variant in disease. Therefore, it has been classified as a Variant of Uncertain Significance.